The following is an entry in ClinVar:

NM_024685.4(BBS10):c.2136G>A (p.Gln712=)

Gene: BBS10 (Bardet-Biedl syndrome 10; minus strand). Cytogenetic location: 12q21.2.
Variant type: single nucleotide variant.
Coding change: c.2136G>A on transcript NM_024685.4 (MANE Select); coding-DNA position 2136, G replaced by A.
Protein change: p.Gln712=; no amino-acid change (glutamine 712 retained).
Molecular consequence: synonymous variant.
Genome position (GRCh38, 1-based): chr12:76,345,849, C>T on the plus strand (G>A on the coding strand, the complement: BBS10 is on the minus strand). VCF-style: chr12-76345849-C-T. GRCh37 (hg19) VCF-style: chr12-76739629-C-T.
Identifiers: ClinVar variation 4998933 (VCV004998933.1).

ClinVar aggregate classification (germline): Likely benign (1 of 4 stars; one submission).

Conditions:
BBS10-related disorder. Also called: BBS10-related condition.

Submission:

PreventionGenetics, part of Exact Sciences
Classification: Likely benign for BBS10-related condition. Last evaluated: 2024-10-08. Review status: criteria provided, single submitter. Criteria: ACMG Guidelines, 2015. Collection method: clinical testing. Allele origin: germline.
Comment: This variant is classified as likely benign based on ACMG/AMP sequence variant interpretation guidelines (Richards et al. 2015 PMID: 25741868, with internal and published modifications).